The following is an entry in ClinVar:

ClinVar aggregate classification (germline): Uncertain significance (1 of 4 stars; one submission).

Conditions:
KSR2-related disorder. Also called: KSR2-related condition.

Allele frequency attached by ClinVar (database versions not stated): gnomAD exomes below 0.00001.
gnomAD v4.1: 4 of 1,599,372 alleles (0.00025%); highest among the groups gnomAD compares: South Asian, 0.0045%; no homozygotes.

Submission:

PreventionGenetics, part of Exact Sciences
Classification: Uncertain significance for KSR2-related condition. Last evaluated: 2023-06-16. Review status: criteria provided, single submitter. Criteria: ACMG Guidelines, 2015. Collection method: clinical testing. Allele origin: germline.
Comment: The KSR2 c.923T>C variant is predicted to result in the amino acid substitution p.Leu308Ser. To our knowledge, this variant has not been reported in the literature or in a large population database, indicating this variant is rare. At this time, the clinical significance of this variant is uncertain due to the absence of conclusive functional and genetic evidence.

NM_173598.6(KSR2):c.1010T>C (p.Leu337Ser)

Gene: KSR2 (kinase suppressor of ras 2; minus strand). Cytogenetic location: 12q24.22.
Variant type: single nucleotide variant.
Coding change: c.1010T>C on transcript NM_173598.6 (MANE Select); coding-DNA position 1010, T replaced by C.
Protein change: p.Leu337Ser; replaces leucine 337 with serine.
Molecular consequence: missense variant.
Genome position (GRCh38, 1-based): chr12:117,667,635, A>G on the plus strand (T>C on the coding strand, the complement: KSR2 is on the minus strand). VCF-style: chr12-117667635-A-G. GRCh37 (hg19) VCF-style: chr12-118105440-A-G.
Other names: short protein forms L337S.
Identifiers: ClinVar variation 2632205 (VCV002632205.1), dbSNP rs2542478569, ClinGen allele CA386937842.